The following is an entry in ClinVar:

NM_000138.5(FBN1):c.5434T>A (p.Cys1812Ser)

Gene: FBN1 (fibrillin 1; minus strand). Cytogenetic location: 15q21.1.
Variant type: single nucleotide variant.
Coding change: c.5434T>A on transcript NM_000138.5 (MANE Select); coding-DNA position 5434, T replaced by A.
Protein change: p.Cys1812Ser; replaces cysteine 1812 with serine.
Molecular consequence: missense variant.
Genome position (GRCh38, 1-based): chr15:48,452,673, A>T on the plus strand (T>A on the coding strand, the complement: FBN1 is on the minus strand). VCF-style: chr15-48452673-A-T. GRCh37 (hg19) VCF-style: chr15-48744870-A-T.
Other names: c.5434T>A, p.Cys1812Ser (NM_001406716.1); short protein forms C1812S.
Identifiers: ClinVar variation 2945534 (VCV002945534.3), dbSNP rs1597537935, ClinGen allele CA392344471.
Genomic context (GRCh38, chr15:48,452,673, plus strand): 5'-GGTAGCTGCCTGCAGTGTTGATGCATTCGGCGTTGCGCTGGCACACTGGGCCGTTCTGAC[A>T]CTCGTCAATATCTACGAGCAGAAGAGAACTGAATTTGAAGGAGAACAGAATCTGGTGTCC-3'
Protein context (NP_000129.3, residues 1802-1822): KLLVCEDIDE[Cys1812Ser]QNGPVCQRNA

ClinVar aggregate classification (germline): Pathogenic (1 of 4 stars; one submission).

Conditions:
Marfan syndrome (MFS). Also called: MARFAN SYNDROME, TYPE I; Marfan syndrome type 1; Marfan's syndrome; Marfan syndrome, classic; FBN1-Related Marfan Syndrome. Identifiers: Orphanet 284963, Orphanet 558, MedGen C0024796, MONDO:0007947, OMIM 154700.
Familial thoracic aortic aneurysm and aortic dissection (TAAD). Also called: Thoracic aortic aneurysms and dissections. Identifiers: Orphanet 91387, MedGen C4707243, MONDO:0019625.

Submission:

Labcorp Genetics (formerly Invitae), Labcorp
Classification: Pathogenic for Marfan syndrome; Familial thoracic aortic aneurysm and aortic dissection. Last evaluated: 2023-03-20. Review status: criteria provided, single submitter. Criteria: Invitae Variant Classification Sherloc (09022015). Collection method: clinical testing. Allele origin: germline.
Comment: This variant is not present in population databases (gnomAD no frequency). This missense change has been observed in individual(s) with clinical features of Marfan syndrome (Invitae). Advanced modeling of protein sequence and biophysical properties (such as structural, functional, and spatial information, amino acid conservation, physicochemical variation, residue mobility, and thermodynamic stability) performed at Invitae indicates that this missense variant is expected to disrupt FBN1 protein function. This variant affects a cysteine residue in the EGF-like, TGFBP or hybrid motif domains of FBN1. Cysteine residues are believed to be involved in intramolecular disulfide bridges and have been shown to be important for FBN1 protein structure (PMID: 16905551, 19349279). In addition, missense substitutions affecting cysteine residues within these domains are significantly overrepresented among patients with Marfan syndrome (PMID: 16571647, 17701892). This variant disrupts the p.Cys1812 amino acid residue in FBN1. Other variant(s) that disrupt this residue have been observed in individuals with FBN1-related conditions (PMID: 27234404, 33483584), which suggests that this may be a clinically significant amino acid residue. For these reasons, this variant has been classified as Pathogenic. This sequence change replaces cysteine, which is neutral and slightly polar, with serine, which is neutral and polar, at codon 1812 of the FBN1 protein (p.Cys1812Ser).

Literature cited by the submitters: PubMed 16905551; PubMed 19349279; PubMed 16571647; PubMed 17701892; PubMed 27234404; PubMed 33483584.